The following is an entry in ClinVar:

NM_052947.4(ALPK2):c.1060G>A (p.Val354Ile)

Genes: ALPK2 (alpha kinase 2; minus strand), LOC114803473 (ALPK2 eExon liver enhancer; plus strand). Cytogenetic location: 18q21.31.
Variant type: single nucleotide variant.
Coding change: c.1060G>A on transcript NM_052947.4 (MANE Select); coding-DNA position 1060, G replaced by A.
Protein change: p.Val354Ile; replaces valine 354 with isoleucine.
Molecular consequence: missense variant.
Genome position (GRCh38, 1-based): chr18:58,579,716, C>T on the plus strand (G>A on the coding strand, the complement: ALPK2 is on the minus strand). VCF-style: chr18-58579716-C-T. GRCh37 (hg19) VCF-style: chr18-56246948-C-T.
Other names: short protein forms V354I.
Identifiers: ClinVar variation 3288982 (VCV003288982.1).
Genomic context (GRCh38, chr18:58,579,716, plus strand): 5'-ACCCACCCAGGCAATGCTCACCGAATTCCATCTCTTCGTCATCGCTTTCTAATAAAAAAA[C>T]ATGCTCAGTCCCCAGCAGGTTCCTTTGCCAAACTGCATTAGAGTAATCCGTCATAACATC-3'
Protein context (NP_443179.3, residues 344-364): WQRNLLGTEH[Val354Ile]FLLESDDEEM

ClinVar aggregate classification (germline): Uncertain significance (1 of 4 stars; one submission).

Submission:

Ambry Genetics
Classification: Uncertain significance. Last evaluated: 2024-04-10. Review status: criteria provided, single submitter. Criteria: Ambry Variant Classification Scheme 2023. Collection method: clinical testing. Allele origin: germline.
Comment: The p.V354I variant (also known as c.1060G>A), located in coding exon 3 of the ALPK2 gene, results from a G to A substitution at nucleotide position 1060. The valine at codon 354 is replaced by isoleucine, an amino acid with highly similar properties. This amino acid position is conserved. In addition, this alteration is predicted to be tolerated by in silico analysis. Based on the available evidence, the clinical significance of this variant remains unclear.